The following is an entry in ClinVar:

ClinVar aggregate classification (germline): Uncertain significance (1 of 4 stars; one submission).

gnomAD v4.1: 5 of 1,610,900 alleles (0.00031%); highest among the groups gnomAD compares: Non-Finnish European, 0.00042%; no homozygotes.

Submission:

Ambry Genetics
Classification: Uncertain significance. Last evaluated: 2024-11-25. Review status: criteria provided, single submitter. Criteria: Ambry Variant Classification Scheme 2023. Collection method: clinical testing. Allele origin: germline.
Comment: The p.E1248K variant (also known as c.3742G>A), located in coding exon 16 of the WNK2 gene, results from a G to A substitution at nucleotide position 3742. The glutamic acid at codon 1248 is replaced by lysine, an amino acid with similar properties. This amino acid position is conserved. In addition, the in silico prediction for this alteration is inconclusive. Based on the available evidence, the clinical significance of this variant remains unclear.

NM_006648.4(WNK2):c.3742G>A (p.Glu1248Lys)

Gene: WNK2 (WNK lysine deficient protein kinase 2; plus strand). Cytogenetic location: 9q22.31.
Variant type: single nucleotide variant.
Coding change: c.3742G>A on transcript NM_006648.4 (MANE Select); coding-DNA position 3742, G replaced by A.
Protein change: p.Glu1248Lys; replaces glutamic acid 1248 with lysine.
Molecular consequence: missense variant.
Genome position (GRCh38, 1-based): chr9:93,267,791, G>A. VCF-style: chr9-93267791-G-A. GRCh37 (hg19) VCF-style: chr9-96030073-G-A.
Other names: c.3742G>A, p.Glu1248Lys (NM_001282394.3); short protein forms E1248K.
Identifiers: ClinVar variation 3470413 (VCV003470413.1).